The following is an entry in ClinVar:

ClinVar aggregate classification (germline): Uncertain significance (1 of 4 stars; one submission).

Submission:

CeGaT Center for Human Genetics Tuebingen
Classification: Uncertain significance. Last evaluated: 2025-08-01. Review status: criteria provided, single submitter. Criteria: CeGaT Center For Human Genetics Tuebingen Variant Classification Criteria Version 2. Collection method: clinical testing. Allele origin: germline. Affected: yes. Observed: 1 variant allele.
Comment: CBL: PM2

NM_005188.4(CBL):c.1794dup (p.Pro599fs)

Gene: CBL (Cbl proto-oncogene; plus strand). Cytogenetic location: 11q23.3.
Variant type: Duplication.
Coding change: c.1794dup on transcript NM_005188.4 (MANE Select); coding-DNA position 1794, one base duplicated (A; older notation c.1794dupA).
Protein change: p.Pro599fs; shifts the reading frame from proline 599.
Molecular consequence: frameshift variant.
Genome position (GRCh38, 1-based): chr11:119,285,419, A duplicated. VCF-style (leftmost placement, unchanged base first): chr11-119285418-T-TA. GRCh37 (hg19) VCF-style: chr11-119156128-T-TA.
Other names: short protein forms P599fs.
Identifiers: ClinVar variation 4085480 (VCV004085480.8).